The following is an entry in ClinVar:

NM_005560.6(LAMA5):c.8122G>A (p.Ala2708Thr)

Gene: LAMA5 (laminin subunit alpha 5; minus strand). Cytogenetic location: 20q13.33.
Variant type: single nucleotide variant.
Coding change: c.8122G>A on transcript NM_005560.6 (MANE Select); coding-DNA position 8122, G replaced by A.
Protein change: p.Ala2708Thr; replaces alanine 2708 with threonine.
Molecular consequence: missense variant.
Genome position (GRCh38, 1-based): chr20:62,314,873, C>T on the plus strand (G>A on the coding strand, the complement: LAMA5 is on the minus strand). VCF-style: chr20-62314873-C-T. GRCh37 (hg19) VCF-style: chr20-60889929-C-T.
Other names: short protein forms A2708T.
Identifiers: ClinVar variation 2175098 (VCV002175098.4), dbSNP rs140483668, ClinGen allele CA9940873.

ClinVar aggregate classification (germline): Uncertain significance (1 of 4 stars; one submission).

Allele frequency attached by ClinVar (database versions not stated): ESP Exome Variant Server 0.00015.
gnomAD v4.1: 60 of 1,612,018 alleles (0.0037%); highest among the groups gnomAD compares: Non-Finnish European, 0.0046%; no homozygotes.

Submission:

Labcorp Genetics (formerly Invitae), Labcorp
Classification: Uncertain significance. Last evaluated: 2024-10-04. Review status: criteria provided, single submitter. Criteria: Invitae Variant Classification Sherloc (09022015). Collection method: clinical testing. Allele origin: germline.
Comment: This sequence change replaces alanine, which is neutral and non-polar, with threonine, which is neutral and polar, at codon 2708 of the LAMA5 protein (p.Ala2708Thr). This variant is present in population databases (rs140483668, gnomAD 0.005%). This variant has not been reported in the literature in individuals affected with LAMA5-related conditions. ClinVar contains an entry for this variant (Variation ID: 2175098). An algorithm developed to predict the effect of missense changes on protein structure and function (PolyPhen-2) suggests that this variant is likely to be disruptive. In summary, the available evidence is currently insufficient to determine the role of this variant in disease. Therefore, it has been classified as a Variant of Uncertain Significance.